The following is an entry in ClinVar:

ClinVar aggregate classification (germline): Uncertain significance. Review status: criteria provided, multiple submitters, no conflicts (2 of 4 stars). 2 submissions from 2 submitters: Uncertain significance (2). Last evaluated 2023-05-12.

Conditions:
Charcot-Marie-Tooth disease type 2. Also called: Charcot-Marie-Tooth type 2. Identifiers: Orphanet 64746, MedGen C0270914, MONDO:0018993.
Cardiomyopathy (CMYO). Also called: Cardiomyopathies. Identifiers: Orphanet 167848, MedGen C0878544, MONDO:0004994, HP:0001638. Inheritance: Various modes of inheritance.

Submissions (2):

CHEO Genetics Diagnostic Laboratory, Children's Hospital of Eastern Ontario
Classification: Uncertain significance for Cardiomyopathy. Last evaluated: 2023-05-12. Review status: criteria provided, single submitter. Criteria: ACMG Guidelines, 2015. Collection method: clinical testing. Allele origin: germline.

Labcorp Genetics (formerly Invitae), Labcorp
Classification: Uncertain significance for Charcot-Marie-Tooth disease type 2. Last evaluated: 2022-08-13. Review status: criteria provided, single submitter. Criteria: Invitae Variant Classification Sherloc (09022015). Collection method: clinical testing. Allele origin: germline.
Comment: In summary, the available evidence is currently insufficient to determine the role of this variant in disease. Therefore, it has been classified as a Variant of Uncertain Significance. Algorithms developed to predict the effect of missense changes on protein structure and function are either unavailable or do not agree on the potential impact of this missense change (SIFT: "Deleterious"; PolyPhen-2: "Probably Damaging"; Align-GVGD: "Class C15"). ClinVar contains an entry for this variant (Variation ID: 915729). This missense change has been observed in individual(s) with autosomal dominant LMNA-related conditions (PMID: 34360639). This variant is not present in population databases (gnomAD no frequency). This sequence change replaces glutamic acid, which is acidic and polar, with lysine, which is basic and polar, at codon 342 of the LMNA protein (p.Glu342Lys).

Literature cited by the submitters: PubMed 34360639 (cited by Labcorp Genetics (formerly Invitae), Labcorp).

NM_170707.4(LMNA):c.1024G>A (p.Glu342Lys)

Gene: LMNA (lamin A/C; plus strand). Cytogenetic location: 1q22.
Variant type: single nucleotide variant.
Coding change: c.1024G>A on transcript NM_170707.4 (MANE Select); coding-DNA position 1024, G replaced by A.
Protein change: p.Glu342Lys; replaces glutamic acid 342 with lysine.
Molecular consequence: missense variant.
Genome position (GRCh38, 1-based): chr1:156,135,988, G>A. VCF-style: chr1-156135988-G-A. GRCh37 (hg19) VCF-style: chr1-156105779-G-A.
Other names: c.688G>A, p.Glu230Lys (NM_001257374.3); c.781G>A, p.Glu261Lys (NM_001282624.2); c.1024G>A, p.Glu342Lys (NM_001282625.2, NM_001282626.2, NM_005572.4 and 1 more transcripts); short protein forms E342K, E261K, E230K.
Identifiers: ClinVar variation 915729 (VCV000915729.8), dbSNP rs1651558432, ClinGen allele CA342820214.